The following is an entry in ClinVar:

Conditions:
Breast-ovarian cancer, familial, susceptibility to, 1 (BROVCA1). Also called: BRCA1 Hereditary Breast and Ovarian Cancer; OVARIAN CANCER, SUSCEPTIBILITY TO. Identifiers: Orphanet 145, MedGen C2676676, MONDO:0011450, OMIM 604370. Disease mechanism: loss of function.

Submission:

Brotman Baty Institute, University of Washington
No classification provided (evidence only). Condition: Breast-ovarian cancer, familial 1. Review status: no classification provided. Collection method: in vitro. Allele origin: not applicable. Functional consequence: functionally_normal.
ClinVar note: "not provided" was previously submitted as the classification for the variant. However, the classification appeared to be based only on an observation of functional data so it was converted to no classification on 2025-07-30.

NM_007294.4(BRCA1):c.5033A>T (p.Asn1678Ile)

Gene: BRCA1 (BRCA1 DNA repair associated; minus strand). Cytogenetic location: 17q21.31.
Variant type: single nucleotide variant.
Coding change: c.5033A>T on transcript NM_007294.4 (MANE Select); coding-DNA position 5033, A replaced by T.
Protein change: p.Asn1678Ile; replaces asparagine 1678 with isoleucine.
Molecular consequence: missense variant. On other transcripts: non-coding transcript variant (1).
Genome position (GRCh38, 1-based): chr17:43,067,649, T>A on the plus strand (A>T on the coding strand, the complement: BRCA1 is on the minus strand). VCF-style: chr17-43067649-T-A. GRCh37 (hg19) VCF-style: chr17-41219666-T-A.
Other names: c.4820A>T, p.Asn1607Ile (NM_001407571.1, NM_001407894.1, NM_001407895.1 and 12 more transcripts); c.5099A>T, p.Asn1700Ile (NM_001407581.1, NM_001407582.1); c.5096A>T, p.Asn1699Ile (NM_001407583.1, NM_001407585.1, NM_001407587.1 and 1 more transcripts); c.5093A>T, p.Asn1698Ile (NM_001407590.1, NM_001407591.1); c.5033A>T, p.Asn1678Ile (NM_001407593.1, NM_001407594.1, NM_001407596.1 and 8 more transcripts); c.5030A>T, p.Asn1677Ile (NM_001407610.1, NM_001407611.1, NM_001407612.1 and 17 more transcripts); c.5027A>T, p.Asn1676Ile (NM_001407627.1, NM_001407628.1, NM_001407629.1 and 14 more transcripts); c.5024A>T, p.Asn1675Ile (NM_001407644.1, NM_001407645.1); and 70 more; short protein forms N574I, N1631I, N1699I, N1678I, N1381I, N1551I, N1606I, N1607I.
Identifiers: ClinVar variation 865557 (VCV000865557.3), dbSNP rs2052173415, ClinGen allele CA10591449.